The following is an entry in ClinVar:

ClinVar aggregate classification (germline): Uncertain significance (1 of 4 stars; one submission).

Allele frequency attached by ClinVar (database versions not stated): ExAC 0.00002; gnomAD 0.00003; TOPMed 0.00004; ESP Exome Variant Server 0.00023.
gnomAD v4.1: 75 of 1,613,740 alleles (0.0046%); highest among the groups gnomAD compares: Non-Finnish European, 0.0059%; no homozygotes.

Submission:

Labcorp Genetics (formerly Invitae), Labcorp
Classification: Uncertain significance. Last evaluated: 2022-03-22. Review status: criteria provided, single submitter. Criteria: Invitae Variant Classification Sherloc (09022015). Collection method: clinical testing. Allele origin: germline.
Comment: Algorithms developed to predict the effect of missense changes on protein structure and function (SIFT, PolyPhen-2, Align-GVGD) all suggest that this variant is likely to be tolerated. In summary, the available evidence is currently insufficient to determine the role of this variant in disease. Therefore, it has been classified as a Variant of Uncertain Significance. This variant has not been reported in the literature in individuals affected with POP1-related conditions. This sequence change replaces glutamine, which is neutral and polar, with lysine, which is basic and polar, at codon 556 of the POP1 protein (p.Gln556Lys). This variant is present in population databases (rs377374198, gnomAD 0.006%).

NM_001145860.2(POP1):c.1666C>A (p.Gln556Lys)

Gene: POP1 (POP1 homolog, ribonuclease P/MRP subunit; plus strand). Cytogenetic location: 8q22.2.
Variant type: single nucleotide variant.
Coding change: c.1666C>A on transcript NM_001145860.2 (MANE Select); coding-DNA position 1666, C replaced by A.
Protein change: p.Gln556Lys; replaces glutamine 556 with lysine.
Molecular consequence: missense variant.
Genome position (GRCh38, 1-based): chr8:98,146,639, C>A. VCF-style: chr8-98146639-C-A. GRCh37 (hg19) VCF-style: chr8-99158867-C-A.
Other names: c.1666C>A, p.Gln556Lys (NM_001145861.2, NM_015029.3); short protein forms Q556K.
Identifiers: ClinVar variation 1932673 (VCV001932673.4), dbSNP rs377374198, ClinGen allele CA4820661.